The following is an entry in ClinVar:

NM_001184.4(ATR):c.5699T>C (p.Ile1900Thr)

Gene: ATR (ATR checkpoint kinase; minus strand). Cytogenetic location: 3q23.
Variant type: single nucleotide variant.
Coding change: c.5699T>C on transcript NM_001184.4 (MANE Select); coding-DNA position 5699, T replaced by C.
Protein change: p.Ile1900Thr; replaces isoleucine 1900 with threonine.
Molecular consequence: missense variant.
Genome position (GRCh38, 1-based): chr3:142,497,052, A>G on the plus strand (T>C on the coding strand, the complement: ATR is on the minus strand). VCF-style: chr3-142497052-A-G. GRCh37 (hg19) VCF-style: chr3-142215894-A-G.
Other names: c.5507T>C, p.Ile1836Thr (NM_001354579.2); short protein forms I1836T, I1900T.
Identifiers: ClinVar variation 1022975 (VCV001022975.8), dbSNP rs2031690162, ClinGen allele CA354814499.

ClinVar aggregate classification (germline): Uncertain significance (1 of 4 stars; one submission).

Allele frequency attached by ClinVar (database versions not stated): gnomAD exomes below 0.00001.
gnomAD v4.1: 1 of 1,613,564 alleles (0.000062%); highest among the groups gnomAD compares: Non-Finnish European, 0.000085%; no homozygotes.

Submission:

Labcorp Genetics (formerly Invitae), Labcorp
Classification: Uncertain significance. Last evaluated: 2020-03-10. Review status: criteria provided, single submitter. Criteria: Invitae Variant Classification Sherloc (09022015). Collection method: clinical testing. Allele origin: germline.
Comment: In summary, the available evidence is currently insufficient to determine the role of this variant in disease. Therefore, it has been classified as a Variant of Uncertain Significance. Algorithms developed to predict the effect of missense changes on protein structure and function (SIFT, PolyPhen-2, Align-GVGD) all suggest that this variant is likely to be disruptive, but these predictions have not been confirmed by published functional studies and their clinical significance is uncertain. This variant has not been reported in the literature in individuals with ATR-related conditions. This variant is not present in population databases (ExAC no frequency). This sequence change replaces isoleucine with threonine at codon 1900 of the ATR protein (p.Ile1900Thr). The isoleucine residue is highly conserved and there is a moderate physicochemical difference between isoleucine and threonine.